The following is an entry in ClinVar:

NM_006929.5(SKIC2):c.1420C>T (p.Gln474Ter)

Gene: SKIC2 (SKI2 subunit of superkiller complex; plus strand). Cytogenetic location: 6p21.33.
Variant type: single nucleotide variant.
Coding change: c.1420C>T on transcript NM_006929.5 (MANE Select); coding-DNA position 1420, C replaced by T.
Protein change: p.Gln474Ter; replaces glutamine 474 with a stop codon.
Molecular consequence: nonsense.
Genome position (GRCh38, 1-based): chr6:31,963,429, C>T. VCF-style: chr6-31963429-C-T. GRCh37 (hg19) VCF-style: chr6-31931206-C-T.
Other names: short protein forms Q474*.
Identifiers: ClinVar variation 2734837 (VCV002734837.3), dbSNP rs1344343597, ClinGen allele CA363456393.
Genomic context (GRCh38, chr6:31,963,429, plus strand): 5'-TCCCACGTTCCCACCCCTGACCTGCTTCCCTCTCCTTTCTTCAGGCGGCTGAAGCGTCGT[C>T]AGATCTATGTGATTAGCACTGTAACCCGCCCCGTGCCCCTGGAGCACTATCTTTTCACAG-3'

ClinVar aggregate classification (germline): Pathogenic (1 of 4 stars; one submission).

gnomAD v4.1: 2 of 1,586,070 alleles (0.00013%); highest among the groups gnomAD compares: East Asian, 0.0045%; no homozygotes.

Submission:

Labcorp Genetics (formerly Invitae), Labcorp
Classification: Pathogenic. Last evaluated: 2024-01-11. Review status: criteria provided, single submitter. Criteria: Invitae Variant Classification Sherloc (09022015). Collection method: clinical testing. Allele origin: germline.
Comment: This sequence change creates a premature translational stop signal (p.Gln474*) in the SKIV2L gene. It is expected to result in an absent or disrupted protein product. Loss-of-function variants in SKIV2L are known to be pathogenic (PMID: 22444670). The frequency data for this variant in the population databases is considered unreliable, as metrics indicate poor data quality at this position in the gnomAD database. This premature translational stop signal has been observed in individual(s) with trichohepatoenteric syndrome (PMID: 29145277). For these reasons, this variant has been classified as Pathogenic.

Literature cited by the submitters: PubMed 22444670; PubMed 29145277.